The following is an entry in ClinVar:

NM_201596.3(CACNB2):c.1828C>T (p.Arg610Trp)

Gene: CACNB2 (calcium voltage-gated channel auxiliary subunit beta 2; plus strand). Cytogenetic location: 10p12.31.
Variant type: single nucleotide variant.
Coding change: c.1828C>T on transcript NM_201596.3 (MANE Select); coding-DNA position 1828, C replaced by T.
Protein change: p.Arg610Trp; replaces arginine 610 with tryptophan.
Molecular consequence: missense variant.
Genome position (GRCh38, 1-based): chr10:18,539,569, C>T. VCF-style: chr10-18539569-C-T. GRCh37 (hg19) VCF-style: chr10-18828498-C-T.
Other names: c.1663C>T, p.Arg555Trp (NM_000724.4); c.1630C>T, p.Arg544Trp (NM_001167945.2); c.1549C>T, p.Arg517Trp (NM_001330060.2); c.1684C>T, p.Arg562Trp (NM_201570.3); c.1744C>T, p.Arg582Trp (NM_201571.4); c.1672C>T, p.Arg558Trp (NM_201572.4); c.1666C>T, p.Arg556Trp (NM_201590.3); c.1714C>T, p.Arg572Trp (NM_201593.3); and 1 more; short protein forms R556W, R610W, R544W, R555W, R562W, R586W, R558W, R572W.
Identifiers: ClinVar variation 417912 (VCV000417912.8), dbSNP rs545095722, ClinGen allele CA16616914.

ClinVar aggregate classification (germline): Uncertain significance. Review status: criteria provided, multiple submitters, no conflicts (2 of 4 stars). 3 submissions from 3 submitters: Uncertain significance (2). 1 of the submissions does not count toward it. Last evaluated 2025-11-20.

Conditions:
Cardiovascular phenotype. Identifiers: MedGen CN230736.
Brugada syndrome 4 (BRGDA4). Identifiers: Orphanet 130, MedGen C2678477, MONDO:0012743, OMIM 611876.

Allele frequency attached by ClinVar (database versions not stated): gnomAD exomes 0.00001; TOPMed 0.00001; gnomAD 0.00001.
gnomAD v4.1: 19 of 1,613,630 alleles (0.0012%); highest among the groups gnomAD compares: Admixed American, 0.0017%; no homozygotes.

Submissions (3):

Ambry Genetics
Classification: Uncertain significance for Cardiovascular phenotype. Last evaluated: 2025-11-20. Review status: criteria provided, single submitter. Criteria: Ambry Variant Classification Scheme 2023. Collection method: clinical testing. Allele origin: germline.

Women's Health and Genetics/Laboratory Corporation of America, LabCorp
Classification: Uncertain significance. Last evaluated: 2017-05-01. Review status: criteria provided, single submitter. Criteria: LabCorp Variant Classification Summary - May 2015. Collection method: clinical testing. Allele origin: germline.
Comment: Variant summary: The CACNB2 c.1666C>T (p.Arg556Trp) variant involves the alteration of a non-conserved nucleotide. 3/4 in silico tools predict a damaging outcome for this variant (SNPsandGO not captured due to low reliability index). This variant is absent in 121234 control chromosomes. One clinical diagnostic laboratory/reputable database has classified this variant as uncertain significance. The variant of interest has not, to our knowledge, been reported in affected individuals via publications nor evaluated for functional impact by in vivo/vitro studies. Because of the absence of clinical information and the lack of functional studies, the variant is classified as a variant of uncertain significance (VUS) until additional information becomes available.

Division of Human Genetics, Children's Hospital of Philadelphia
Classification: Uncertain significance for Brugada syndrome 4. Last evaluated: 2015-11-21. Review status: no assertion criteria provided. Collection method: research. Allele origin: paternal. Affected: yes. Study: CSER-PediSeq. Not counted in ClinVar's aggregate classification.